The following is an entry in ClinVar:

ClinVar aggregate classification (germline): Uncertain significance (1 of 4 stars; one submission).

Conditions:
Tuberous sclerosis 1 (TSC1). Identifiers: Orphanet 805, MedGen C1854465, MONDO:0008612, OMIM 191100.

Submission:

Labcorp Genetics (formerly Invitae), Labcorp
Classification: Uncertain significance for Tuberous sclerosis 1. Last evaluated: 2023-06-14. Review status: criteria provided, single submitter. Criteria: Invitae Variant Classification Sherloc (09022015). Collection method: clinical testing. Allele origin: germline.
Comment: This sequence change falls in intron 20 of the TSC1 gene. It does not directly change the encoded amino acid sequence of the TSC1 protein. It affects a nucleotide within the consensus splice site. The frequency data for this variant in the population databases is considered unreliable, as metrics indicate poor data quality at this position in the gnomAD database. This variant has not been reported in the literature in individuals affected with TSC1-related conditions. ClinVar contains an entry for this variant (Variation ID: 852556). Variants that disrupt the consensus splice site are a relatively common cause of aberrant splicing (PMID: 17576681, 9536098). Algorithms developed to predict the effect of sequence changes on RNA splicing suggest that this variant is not likely to affect RNA splicing. In summary, the available evidence is currently insufficient to determine the role of this variant in disease. Therefore, it has been classified as a Variant of Uncertain Significance.

Literature cited by the submitters: PubMed 17576681; PubMed 9536098.

NM_000368.5(TSC1):c.2626-3_2626-2insTTT

Gene: TSC1 (TSC complex subunit 1; minus strand). Cytogenetic location: 9q34.13.
Variant type: Insertion.
Coding change: c.2626-3_2626-2insTTT on transcript NM_000368.5 (MANE Select); 3 bases into the intron before coding-DNA position 2626 through the canonical splice acceptor site of the intron before coding-DNA position 2626, TTT inserted.
Molecular consequence: intron variant.
Genome position: GRCh38 VCF-style: chr9-132897612-T-TAAA. GRCh37 (hg19) VCF-style: chr9-135772999-T-TAAA.
Other names: c.2263-3_2263-2insTTT (NM_001362177.2); c.2473-3_2473-2insTTT (NM_001162427.2); c.2623-3_2623-2insTTT (NM_001162426.2).
Identifiers: ClinVar variation 852556 (VCV000852556.6), dbSNP rs760737807, ClinGen allele CA5301756.